The following is an entry in ClinVar:

NM_198334.3(GANAB):c.2334C>A (p.Asp778Glu)

Gene: GANAB (glucosidase II alpha subunit; minus strand). Cytogenetic location: 11q12.3.
Variant type: single nucleotide variant.
Coding change: c.2334C>A on transcript NM_198334.3 (MANE Select); coding-DNA position 2334, C replaced by A.
Protein change: p.Asp778Glu; replaces aspartic acid 778 with glutamic acid.
Molecular consequence: missense variant.
Genome position (GRCh38, 1-based): chr11:62,626,923, G>T on the plus strand (C>A on the coding strand, the complement: GANAB is on the minus strand). VCF-style: chr11-62626923-G-T. GRCh37 (hg19) VCF-style: chr11-62394395-G-T.
Other names: c.2400C>A (NM_198335.2); c.2058C>A, p.Asp686Glu (NM_001278192.2); c.1992C>A, p.Asp664Glu (NM_001278193.2); c.2043C>A, p.Asp681Glu (NM_001278194.2, NM_001329222.2, NM_001329223.2); c.1611C>A, p.Asp537Glu (NM_001329224.2, NM_001329225.2); c.2400C>A, p.Asp800Glu (NM_198335.4); short protein forms D537E, D664E, D681E, D686E, D778E, D800E.
Identifiers: ClinVar variation 1678452 (VCV001678452.6), dbSNP rs937056702, ClinGen allele CA223046972.

ClinVar aggregate classification (germline): Conflicting classifications of pathogenicity. Review status: criteria provided, conflicting classifications (1 of 4 stars). 4 submissions from 4 submitters: Uncertain significance (3); Likely benign (1). Last evaluated 2024-08-21.

Conditions:
Polycystic kidney disease 3 with or without polycystic liver disease. Also called: POLYCYSTIC KIDNEY DISEASE, ADULT, TYPE III; Polycystic kidney disease 3; Polycystic Kidney and/or Polycystic Liver Disease 3. Identifiers: MedGen C3887964, MONDO:0010916, OMIM 600666.
Inborn genetic diseases. Identifiers: MedGen C0950123, MeSH D030342.

Allele frequency attached by ClinVar (database versions not stated): gnomAD exomes 0.00001 and 0.00002; gnomAD 0.00005; TOPMed 0.00008.

Submissions (4):

Labcorp Genetics (formerly Invitae), Labcorp
Classification: Uncertain significance. Last evaluated: 2024-08-21. Review status: criteria provided, single submitter. Criteria: Invitae Variant Classification Sherloc (09022015). Collection method: clinical testing. Allele origin: germline.
Comment: This sequence change replaces aspartic acid, which is acidic and polar, with glutamic acid, which is acidic and polar, at codon 800 of the GANAB protein (p.Asp800Glu). This variant is present in population databases (no rsID available, gnomAD 0.01%). This variant has not been reported in the literature in individuals affected with GANAB-related conditions. ClinVar contains an entry for this variant (Variation ID: 1678452). Invitae Evidence Modeling of protein sequence and biophysical properties (such as structural, functional, and spatial information, amino acid conservation, physicochemical variation, residue mobility, and thermodynamic stability) indicates that this missense variant is not expected to disrupt GANAB protein function with a negative predictive value of 80%. In summary, the available evidence is currently insufficient to determine the role of this variant in disease. Therefore, it has been classified as a Variant of Uncertain Significance.

Ambry Genetics
Classification: Likely benign for Inborn genetic diseases. Last evaluated: 2024-08-14. Review status: criteria provided, single submitter. Criteria: Ambry Variant Classification Scheme 2023. Collection method: clinical testing. Allele origin: germline.

Fulgent Genetics
Classification: Uncertain significance for Polycystic kidney disease 3 with or without polycystic liver disease. Last evaluated: 2021-11-13. Review status: criteria provided, single submitter. Criteria: ACMG Guidelines, 2015. Collection method: clinical testing. Allele origin: unknown.

AiLife Diagnostics
Classification: Uncertain significance. Last evaluated: 2021-06-16. Review status: criteria provided, single submitter. Criteria: ACMG Guidelines, 2015. Collection method: clinical testing. Allele origin: germline. Affected: yes. Observed: 1 variant allele.